The following is an entry in ClinVar:

NM_182961.4(SYNE1):c.25458+33_25458+36del

Gene: SYNE1 (spectrin repeat containing nuclear envelope protein 1; minus strand). Cytogenetic location: 6q25.2.
Variant type: Deletion.
Coding change: c.25458+33_25458+36del on transcript NM_182961.4 (MANE Select); bases 33 to 36 of the intron after coding-DNA position 25458, 4 bases deleted (AACA; older notation c.25458+33_25458+36delAACA).
Molecular consequence: intron variant.
Genome position (GRCh38, 1-based): chr6:152,139,914-152,139,917, TGTT deleted on the plus strand (AACA on the coding strand, the reverse complement: SYNE1 is on the minus strand); deleting any 4 consecutive bases within chr6:152,139,914-152,139,920 gives the same sequence; the c. name uses the placement nearest the transcript's 3' end. VCF-style (leftmost placement, unchanged base first): chr6-152139913-CTGTT-C. GRCh37 (hg19) VCF-style: chr6-152461048-CTGTT-C.
Other names: c.25314+33_25314+36del (NM_033071.5); c.2064+33_2064+36del (NM_001347701.2); c.1992+33_1992+36del (NM_001347702.2); c.25314+33_25314+36delAACA (NM_033071.3).
Identifiers: ClinVar variation 262194 (VCV000262194.2), dbSNP rs147380321, ClinGen allele CA4052834.

ClinVar aggregate classification (germline): Benign. Review status: criteria provided, multiple submitters, no conflicts (2 of 4 stars). 2 submissions from 2 submitters: Benign (2). Last evaluated 2018-06-18.

Submissions (2):

GeneDx
Classification: Benign. Last evaluated: 2018-06-18. Review status: criteria provided, single submitter. Criteria: GeneDx Variant Classification (06012015). Collection method: clinical testing. Allele origin: germline. Affected: yes.
Comment: This variant is considered likely benign or benign based on one or more of the following criteria: it is a conservative change, it occurs at a poorly conserved position in the protein, it is predicted to be benign by multiple in silico algorithms, and/or has population frequency not consistent with disease.

PreventionGenetics, part of Exact Sciences
Classification: Benign. Review status: criteria provided, single submitter. Criteria: ACMG Guidelines, 2015. Collection method: clinical testing. Allele origin: germline.